The following is an entry in ClinVar:

ClinVar aggregate classification (germline): Pathogenic (1 of 4 stars; one submission).

Conditions:
Developmental and epileptic encephalopathy 94 (DEE94). Also called: CHD2-Related Neurodevelopmental Disorders; Epileptic encephalopathy, childhood-onset. Identifiers: Orphanet 1942, Orphanet 2382, MedGen C3809278, MONDO:0014150, OMIM 615369.

Submission:

Labcorp Genetics (formerly Invitae), Labcorp
Classification: Pathogenic for Developmental and epileptic encephalopathy 94. Last evaluated: 2021-12-31. Review status: criteria provided, single submitter. Criteria: Invitae Variant Classification Sherloc (09022015). Collection method: clinical testing. Allele origin: germline.
Comment: For these reasons, this variant has been classified as Pathogenic. This variant has not been reported in the literature in individuals affected with CHD2-related conditions. This variant is not present in population databases (gnomAD no frequency). This sequence change creates a premature translational stop signal (p.Ser1598*) in the CHD2 gene. It is expected to result in an absent or disrupted protein product. Loss-of-function variants in CHD2 are known to be pathogenic (PMID: 23708187, 24207121).

Literature cited by the submitters: PubMed 23708187; PubMed 24207121.

NM_001271.4(CHD2):c.4793C>A (p.Ser1598Ter)

Gene: CHD2 (chromodomain helicase DNA binding protein 2; plus strand). Cytogenetic location: 15q26.1.
Variant type: single nucleotide variant.
Coding change: c.4793C>A on transcript NM_001271.4 (MANE Select); coding-DNA position 4793, C replaced by A.
Protein change: p.Ser1598Ter; replaces serine 1598 with a stop codon.
Molecular consequence: nonsense.
Genome position (GRCh38, 1-based): chr15:93,014,796, C>A. VCF-style: chr15-93014796-C-A. GRCh37 (hg19) VCF-style: chr15-93558026-C-A.
Other names: short protein forms S1598*.
Identifiers: ClinVar variation 2067466 (VCV002067466.4), dbSNP rs1382300456, ClinGen allele CA393906701.